The following is an entry in ClinVar:

ClinVar aggregate classification (germline): Uncertain significance. Review status: criteria provided, multiple submitters, no conflicts (2 of 4 stars). 2 submissions from 2 submitters: Uncertain significance (2). Last evaluated 2026-06-09.

Conditions:
MC3R-related disorder. Also called: MC3R-related condition.

gnomAD v4.1: 10 of 1,613,974 alleles (0.00062%); highest among the groups gnomAD compares: African/African-American, 0.0053%; no homozygotes.

Submissions (2):

PreventionGenetics, part of Exact Sciences
Classification: Uncertain significance for MC3R-related condition. Last evaluated: 2026-06-09. Review status: criteria provided, single submitter. Criteria: ACMG Guidelines, 2015. Collection method: clinical testing. Allele origin: germline.
Comment: The MC3R c.415G>A variant is predicted to result in the amino acid substitution p.Ala139Thr. To our knowledge, this variant has not been reported in the literature. This variant is reported in 0.0062% of alleles in individuals of African descent in gnomAD. At this time, the clinical significance of this variant is uncertain due to the absence of conclusive functional and genetic evidence.

Labcorp Genetics (formerly Invitae), Labcorp
Classification: Uncertain significance. Last evaluated: 2024-11-27. Review status: criteria provided, single submitter. Criteria: Invitae Variant Classification Sherloc (09022015). Collection method: clinical testing. Allele origin: germline.
Comment: This sequence change replaces alanine, which is neutral and non-polar, with threonine, which is neutral and polar, at codon 139 of the MC3R protein (p.Ala139Thr). This variant is present in population databases (rs763907929, gnomAD 0.007%). This variant has not been reported in the literature in individuals affected with MC3R-related conditions. An algorithm developed to predict the effect of missense changes on protein structure and function (PolyPhen-2) suggests that this variant is likely to be disruptive. In summary, the available evidence is currently insufficient to determine the role of this variant in disease. Therefore, it has been classified as a Variant of Uncertain Significance.

NM_019888.3(MC3R):c.415G>A (p.Ala139Thr)

Gene: MC3R (melanocortin 3 receptor; plus strand). Cytogenetic location: 20q13.2.
Variant type: single nucleotide variant.
Coding change: c.415G>A on transcript NM_019888.3 (MANE Select); coding-DNA position 415, G replaced by A.
Protein change: p.Ala139Thr; replaces alanine 139 with threonine.
Molecular consequence: missense variant.
Genome position (GRCh38, 1-based): chr20:56,249,258, G>A. VCF-style: chr20-56249258-G-A. GRCh37 (hg19) VCF-style: chr20-54824314-G-A.
Other names: short protein forms A139T.
Identifiers: ClinVar variation 3692099 (VCV003692099.3).